The following is an entry in ClinVar:

NM_001040142.2(SCN2A):c.718_719delinsTT (p.Ala240Phe)

Gene: SCN2A (sodium voltage-gated channel alpha subunit 2; plus strand). Cytogenetic location: 2q24.3.
Variant type: Indel.
Coding change: c.718_719delinsTT on transcript NM_001040142.2 (MANE Select); coding-DNA positions 718 to 719, GC replaced by TT.
Protein change: p.Ala240Phe; replaces alanine 240 with phenylalanine.
Molecular consequence: missense variant.
Genome position (GRCh38, 1-based): chr2:165,310,343-165,310,344, GC replaced by TT. VCF-style: chr2-165310343-GC-TT. GRCh37 (hg19) VCF-style: chr2-166166853-GC-TT.
Other names: p.A240F:GCC>TTC; c.718_719delGCinsTT (NM_021007.2); c.718_719delinsTT, p.Ala240Phe (NM_001040143.2, NM_001371246.1, NM_001371247.1 and 1 more transcripts); short protein forms A240F.
Identifiers: ClinVar variation 207093 (VCV000207093.2), dbSNP rs796053206, ClinGen allele CA318223.
Genomic context (GRCh38, chr2:165,310,343, plus strand): 5'-AGTAGTATATTTAAATTCCCCCTTCTGATTTTGTTTGTAGGCCTGAAGACCATTGTGGGG[GC>TT]CCTGATCCAGTCAGTGAAGAAGCTTTCTGATGTCATGATCTTGACTGTGTTCTGTCTAAG-3'
Protein context (NP_001035232.1, residues 230-250): VIPGLKTIVG[Ala240Phe]LIQSVKKLSD

ClinVar aggregate classification (germline): Likely pathogenic (1 of 4 stars; one submission).

Submission:

GeneDx
Classification: Likely pathogenic. Last evaluated: 2014-09-26. Review status: criteria provided, single submitter. Criteria: GeneDx Variant Classification (06012015). Collection method: clinical testing. Allele origin: germline. Affected: yes.
Comment: c.718_719delGCinsTT: p.Ala240Phe in exon 7 in the SCN2A gene (NM_021007.2). The normal sequence with the bases that are deleted in braces and the bases that are inserted in brackets is: TGGGG{GC}[TT]CCTG. The c.718_719delinsTT variant that is likely pathogenic has been identified in the SCN2A gene. The c.718_719delGCinsTT variant has not been published as pathogenic, nor has it been reported as a benign polymorphism to our knowledge. It was not observed in approximately 6,500 individuals of European and African American ancestry in an external variant database, indicating it is not a common benign variant in these populations. The c.718_719delinsTT variant results in an in-frame deletion of a single Alanine residue and the insertion of a single Phenylalanine residue, denoted p.A240F. This variant is a semi-conservative amino acid substitution, which may impact secondary protein structure as these residues differ in some properties. Additionally, this substitution occurs at a position that is highly conserved across species. In silico analysis predicts this variant is probably damaging to the protein structure/function. Therefore, this is a strong candidate for a pathogenic variant, however the possibility that it is a benign variant cannot be excluded. This variant has been observed de novo with confirmed parentage.